The following is an entry in ClinVar:

NM_174934.4(SCN4B):c.103G>A (p.Val35Met)

Gene: SCN4B (sodium voltage-gated channel beta subunit 4; minus strand). Cytogenetic location: 11q23.3.
Variant type: single nucleotide variant.
Coding change: c.103G>A on transcript NM_174934.4 (MANE Select); coding-DNA position 103, G replaced by A.
Protein change: p.Val35Met; replaces valine 35 with methionine.
Molecular consequence: missense variant. On other transcripts: 5 prime UTR variant (1), non-coding transcript variant (1), intron variant (1).
Genome position (GRCh38, 1-based): chr11:118,145,188, C>T on the plus strand (G>A on the coding strand, the complement: SCN4B is on the minus strand). VCF-style: chr11-118145188-C-T. GRCh37 (hg19) VCF-style: chr11-118015903-C-T.
Other names: c.-228G>A (NM_001142349.2); c.62-3852G>A (NM_001142348.2); c.103G>A (NM_174934.3); short protein forms V35M.
Identifiers: ClinVar variation 1465710 (VCV001465710.10), dbSNP rs1322792651, ClinGen allele CA382778919.
Genomic context (GRCh38, chr11:118,145,188, plus strand): 5'-AGGTGCAGGGCAGCAGGATCTCCGTGCCATTGACAGCGTAGATGTCGGTGGCCTTTCCCA[C>T]AGACACCTCCAGCGACAGGGTTACGGGGAGCAGGAAGAGGCCTGTGTAAGGAGCACCGCC-3'
Protein context (NP_777594.1, residues 25-45): LPVTLSLEVS[Val35Met]GKATDIYAVN

ClinVar aggregate classification (germline): Uncertain significance. Review status: criteria provided, multiple submitters, no conflicts (2 of 4 stars). 3 submissions from 3 submitters: Uncertain significance (3). Last evaluated 2025-06-07.

Conditions:
Cardiovascular phenotype. Identifiers: MedGen CN230736.
Long QT syndrome 10 (LQT10). Identifiers: Orphanet 101016, Orphanet 768, MedGen C2678484, MONDO:0012737, OMIM 611819.

Allele frequency attached by ClinVar (database versions not stated): gnomAD 0.00001; gnomAD exomes 0.00001 and 0.00004; TOPMed 0.00003.
gnomAD v4.1: 57 of 1,613,202 alleles (0.0035%); highest among the groups gnomAD compares: Non-Finnish European, 0.0048%; no homozygotes.

Submissions (3):

Ambry Genetics
Classification: Uncertain significance for Cardiovascular phenotype. Last evaluated: 2025-06-07. Review status: criteria provided, single submitter. Criteria: Ambry Variant Classification Scheme 2023. Collection method: clinical testing. Allele origin: germline.
Comment: The p.V35M variant (also known as c.103G>A), located in coding exon 2 of the SCN4B gene, results from a G to A substitution at nucleotide position 103. The valine at codon 35 is replaced by methionine, an amino acid with highly similar properties. This amino acid position is conserved. In addition, the in silico prediction for this alteration is inconclusive. Based on the available evidence, the clinical significance of this variant remains unclear.

Labcorp Genetics (formerly Invitae), Labcorp
Classification: Uncertain significance for Long QT syndrome 10. Last evaluated: 2022-09-21. Review status: criteria provided, single submitter. Criteria: Invitae Variant Classification Sherloc (09022015). Collection method: clinical testing. Allele origin: germline.
Comment: In summary, the available evidence is currently insufficient to determine the role of this variant in disease. Therefore, it has been classified as a Variant of Uncertain Significance. Algorithms developed to predict the effect of missense changes on protein structure and function are either unavailable or do not agree on the potential impact of this missense change (SIFT: "Deleterious"; PolyPhen-2: "Probably Damaging"; Align-GVGD: "Class C0"). ClinVar contains an entry for this variant (Variation ID: 1465710). This variant has not been reported in the literature in individuals affected with SCN4B-related conditions. This variant is present in population databases (no rsID available, gnomAD 0.003%). This sequence change replaces valine, which is neutral and non-polar, with methionine, which is neutral and non-polar, at codon 35 of the SCN4B protein (p.Val35Met).

AiLife Diagnostics
Classification: Uncertain significance. Last evaluated: 2022-01-25. Review status: criteria provided, single submitter. Criteria: ACMG Guidelines, 2015. Collection method: clinical testing. Allele origin: germline. Affected: yes. Observed: 1 variant allele.